The following is an entry in ClinVar:

NM_173630.4(RTTN):c.703T>C (p.Ser235Pro)

Gene: RTTN (rotatin; minus strand). Cytogenetic location: 18q22.2.
Variant type: single nucleotide variant.
Coding change: c.703T>C on transcript NM_173630.4 (MANE Select); coding-DNA position 703, T replaced by C.
Protein change: p.Ser235Pro; replaces serine 235 with proline.
Molecular consequence: missense variant. On other transcripts: 5 prime UTR variant (1).
Genome position (GRCh38, 1-based): chr18:70,196,639, A>G on the plus strand (T>C on the coding strand, the complement: RTTN is on the minus strand). VCF-style: chr18-70196639-A-G. GRCh37 (hg19) VCF-style: chr18-67863875-A-G.
Other names: c.-1851T>C (NM_001318520.2); c.703T>C (NM_173630.3); short protein forms S235P.
Identifiers: ClinVar variation 1943606 (VCV001943606.7), dbSNP rs1031479207, ClinGen allele CA301960959.

ClinVar aggregate classification (germline): Uncertain significance. Review status: criteria provided, multiple submitters, no conflicts (2 of 4 stars). 3 submissions from 3 submitters: Uncertain significance (3). Last evaluated 2025-12-04.

Conditions:
Inborn genetic diseases. Identifiers: MedGen C0950123, MeSH D030342.

Allele frequency attached by ClinVar (database versions not stated): gnomAD exomes below 0.00001; TOPMed 0.00002; gnomAD 0.00002.
gnomAD v4.1: 8 of 1,609,846 alleles (0.0005%); highest among the groups gnomAD compares: Admixed American, 0.01%; no homozygotes.

Submissions (3):

Ambry Genetics
Classification: Uncertain significance for Inborn genetic diseases. Last evaluated: 2025-12-04. Review status: criteria provided, single submitter. Criteria: Ambry Variant Classification Scheme 2023. Collection method: clinical testing. Allele origin: germline.

Dasa
Classification: Uncertain significance. Last evaluated: 2025-10-30. Review status: criteria provided, single submitter. Criteria: DASA Assertion Criteria. Collection method: clinical testing. Allele origin: germline.
Comment: NM_173630.4(RTTN):c.703T>C (p.Ser235Pro) is a missense variant that results in the substitution of serine with proline. This variant is rare in population databases. The currently available literature and clinical evidence are not sufficient to establish a definitive association between this variant and the reported condition. Therefore, this variant is classified as a variant of uncertain significance.

Labcorp Genetics (formerly Invitae), Labcorp
Classification: Uncertain significance. Last evaluated: 2022-07-05. Review status: criteria provided, single submitter. Criteria: Invitae Variant Classification Sherloc (09022015). Collection method: clinical testing. Allele origin: germline.
Comment: This sequence change replaces serine, which is neutral and polar, with proline, which is neutral and non-polar, at codon 235 of the RTTN protein (p.Ser235Pro). This variant is present in population databases (no rsID available, gnomAD 0.006%). This variant has not been reported in the literature in individuals affected with RTTN-related conditions. Algorithms developed to predict the effect of missense changes on protein structure and function are either unavailable or do not agree on the potential impact of this missense change (SIFT: "Tolerated"; PolyPhen-2: "Probably Damaging"; Align-GVGD: "Class C0"). In summary, the available evidence is currently insufficient to determine the role of this variant in disease. Therefore, it has been classified as a Variant of Uncertain Significance.